The following is an entry in ClinVar:

NM_017668.3(NDE1):c.947+2920G>A

Gene: NDE1 (nudE neurodevelopment protein 1; plus strand). Cytogenetic location: 16p13.11.
Variant type: single nucleotide variant.
Coding change: c.947+2920G>A on transcript NM_017668.3 (MANE Select); 2920 bases into the intron after coding-DNA position 947, G replaced by A.
Molecular consequence: intron variant.
Genome position (GRCh38, 1-based): chr16:15,699,780, G>A. VCF-style: chr16-15699780-G-A. GRCh37 (hg19) VCF-style: chr16-15793637-G-A.
Other names: c.947+2920G>A (NM_001143979.2).
Identifiers: ClinVar variation 2646254 (VCV002646254.24), dbSNP rs199584024, ClinGen allele CA7920965.

ClinVar aggregate classification (germline): Benign (1 of 4 stars; one submission).

Allele frequency attached by ClinVar (database versions not stated): 1000 Genomes Project 30x 0.00016; ESP Exome Variant Server 0.00087; gnomAD exomes 0.00089; gnomAD 0.00141; ExAC 0.00155; TOPMed 0.00198.
gnomAD v4.1: 1,396 of 1,351,556 alleles (0.1%); highest among the groups gnomAD compares: Admixed American, 0.2%; 9 homozygotes.

Submission:

CeGaT Center for Human Genetics Tuebingen
Classification: Benign. Last evaluated: 2022-04-01. Review status: criteria provided, single submitter. Criteria: CeGaT Center For Human Genetics Tuebingen Variant Classification Criteria Version 2. Collection method: clinical testing. Allele origin: germline. Affected: yes. Observed: 1 variant allele.
Comment: NDE1: BS1, BS2